The following is an entry in ClinVar:

ClinVar aggregate classification (germline): Uncertain significance (1 of 4 stars; one submission).

Conditions:
Hereditary sensory and autonomic neuropathy type 6. Also called: HSAN VI; Neuropathy, hereditary sensory and autonomic, type VI. Identifiers: Orphanet 314381, MedGen C3539003, MONDO:0013839, OMIM 614653.
Epidermolysis bullosa simplex 3, localized or generalized intermediate, with BP230 deficiency (EBS3). Also called: Epidermolysis bullosa simplex, autosomal recessive 2; Epidermolysis bullosa simplex due to BP230 deficiency. Identifiers: Orphanet 412181, MedGen C3809470, MONDO:0014180, OMIM 615425.

Allele frequency attached by ClinVar (database versions not stated): gnomAD exomes 0.00001.
gnomAD v4.1: 10 of 1,612,302 alleles (0.00062%); highest among the groups gnomAD compares: Admixed American, 0.0017%; no homozygotes.

Submission:

Labcorp Genetics (formerly Invitae), Labcorp
Classification: Uncertain significance for Epidermolysis bullosa simplex 3, localized or generalized intermediate, with BP230 deficiency; Hereditary sensory and autonomic neuropathy type 6. Last evaluated: 2022-11-04. Review status: criteria provided, single submitter. Criteria: Invitae Variant Classification Sherloc (09022015). Collection method: clinical testing. Allele origin: germline.
Comment: Experimental studies and prediction algorithms are not available or were not evaluated, and the functional significance of this variant is currently unknown. In summary, the available evidence is currently insufficient to determine the role of this variant in disease. Therefore, it has been classified as a Variant of Uncertain Significance. This variant has not been reported in the literature in individuals affected with DST-related conditions. The frequency data for this variant in the population databases is considered unreliable, as metrics indicate poor data quality at this position in the gnomAD database. This sequence change replaces arginine, which is basic and polar, with glutamine, which is neutral and polar, at codon 4914 of the DST protein (p.Arg4914Gln). The DST gene has multiple clinically relevant transcripts. This variant occurs in alternate transcript NM_015548.4, and corresponds to NM_001723.5:c.*149362G>A in the primary transcript.

NM_001374736.1(DST):c.22610G>A (p.Arg7537Gln)

Gene: DST (dystonin; minus strand). Cytogenetic location: 6p12.1.
Variant type: single nucleotide variant.
Coding change: c.22610G>A on transcript NM_001374736.1 (MANE Select); coding-DNA position 22610, G replaced by A.
Protein change: p.Arg7537Gln; replaces arginine 7537 with glutamine.
Molecular consequence: missense variant.
Genome position (GRCh38, 1-based): chr6:56,466,155, C>T on the plus strand (G>A on the coding strand, the complement: DST is on the minus strand). VCF-style: chr6-56466155-C-T. GRCh37 (hg19) VCF-style: chr6-56330953-C-T.
Other names: c.16253G>A, p.Arg5418Gln (NM_001144769.5); c.15839G>A, p.Arg5280Gln (NM_001144770.2); c.22610G>A, p.Arg7537Gln (NM_001374722.1); c.21650G>A, p.Arg7217Gln (NM_001374729.1); c.15392G>A, p.Arg5131Gln (NM_001374730.1); c.22637G>A, p.Arg7546Gln (NM_001374734.1); c.15701G>A, p.Arg5234Gln (NM_001386100.1); c.14741G>A, p.Arg4914Gln (NM_015548.5); and 1 more; short protein forms R4914Q, R5131Q, R5234Q, R5418Q, R7546Q, R5280Q, R5240Q, R7217Q.
Identifiers: ClinVar variation 2927414 (VCV002927414.3), dbSNP rs920975458, ClinGen allele CA139166707.